The following is an entry in ClinVar:

NM_001382391.1(CSPP1):c.-112G>C

Gene: CSPP1 (centrosome and spindle pole associated protein 1; plus strand). Cytogenetic location: 8q13.1.
Variant type: single nucleotide variant.
Coding change: c.-112G>C on transcript NM_001382391.1 (MANE Select); 112 bases upstream of the start codon, G replaced by C.
Molecular consequence: 5 prime UTR variant. On other transcripts: synonymous variant (3).
Genome position (GRCh38, 1-based): chr8:67,064,437, G>C. VCF-style: chr8-67064437-G-C. GRCh37 (hg19) VCF-style: chr8-67976672-G-C.
Other names: c.-112G>C (NM_001363131.2, NM_001363132.2, NM_001363133.2); c.39G>C, p.Ser13= (NM_001364869.1, NM_001364870.1, NM_024790.7).
Identifiers: ClinVar variation 1146297 (VCV001146297.24), dbSNP rs753468929, ClinGen allele CA4770049.
Genomic context (GRCh38, chr8:67,064,437, plus strand): 5'-AGCCCCGGCCCGGAGGTCTGTCATGCTGTTCCCGCTCCAGGTGGCCGCTGTAACCTCTTC[G>C]GTCCGCGACGATCCTCTAGAGCACTGTGTGTCTCCCCGGACGCGAGCCCGCTCCCCTGAG-3'

ClinVar aggregate classification (germline): Likely benign. Review status: criteria provided, multiple submitters, no conflicts (2 of 4 stars). 3 submissions from 3 submitters: Likely benign (3). Last evaluated 2025-10-24.

Conditions:
Joubert syndrome 21 (JBTS21). Identifiers: MedGen C3810212, MONDO:0014288, OMIM 615636.

Allele frequency attached by ClinVar (database versions not stated): ExAC 0.00004; gnomAD 0.00001 and 0.00002; gnomAD exomes 0.00002.
gnomAD v4.1: 32 of 1,613,914 alleles (0.002%); highest among the groups gnomAD compares: Middle Eastern, 0.033%; no homozygotes.

Submissions (3):

Labcorp Genetics (formerly Invitae), Labcorp
Classification: Likely benign for Joubert syndrome 21. Last evaluated: 2025-10-24. Review status: criteria provided, single submitter. Criteria: Invitae Variant Classification Sherloc (09022015). Collection method: clinical testing. Allele origin: germline.

CeGaT Center for Human Genetics Tuebingen
Classification: Likely benign. Last evaluated: 2024-11-01. Review status: criteria provided, single submitter. Criteria: CeGaT Center For Human Genetics Tuebingen Variant Classification Criteria Version 2. Collection method: clinical testing. Allele origin: germline. Affected: yes. Observed: 1 variant allele.
Comment: CSPP1: BP4, BP7

Blueprint Genetics
Classification: Likely benign. Last evaluated: 2024-08-16. Review status: criteria provided, single submitter. Criteria: ACMG Guidelines, 2015. Collection method: clinical testing. Allele origin: germline.